The following is an entry in ClinVar:

NM_144670.6(A2ML1):c.3445G>A (p.Glu1149Lys)

Gene: A2ML1 (alpha-2-macroglobulin like 1; plus strand). Cytogenetic location: 12p13.31.
Variant type: single nucleotide variant.
Coding change: c.3445G>A on transcript NM_144670.6 (MANE Select); coding-DNA position 3445, G replaced by A.
Protein change: p.Glu1149Lys; replaces glutamic acid 1149 with lysine.
Molecular consequence: missense variant.
Genome position (GRCh38, 1-based): chr12:8,861,240, G>A. VCF-style: chr12-8861240-G-A. GRCh37 (hg19) VCF-style: chr12-9013836-G-A.
Other names: c.1972G>A, p.Glu658Lys (NM_001282424.3); short protein forms E658K, E1149K.
Identifiers: ClinVar variation 3630676 (VCV003630676.2).

ClinVar aggregate classification (germline): Uncertain significance (1 of 4 stars; one submission).

gnomAD v4.1: 1 of 1,614,094 alleles (0.000062%); highest among the groups gnomAD compares: Non-Finnish European, 0.000085%; no homozygotes.

Submission:

Labcorp Genetics (formerly Invitae), Labcorp
Classification: Uncertain significance. Last evaluated: 2024-04-06. Review status: criteria provided, single submitter. Criteria: Invitae Variant Classification Sherloc (09022015). Collection method: clinical testing. Allele origin: germline.
Comment: This sequence change replaces glutamic acid, which is acidic and polar, with lysine, which is basic and polar, at codon 1149 of the A2ML1 protein (p.Glu1149Lys). This variant is present in population databases (rs746537760, gnomAD 0.0009%). This variant has not been reported in the literature in individuals affected with A2ML1-related conditions. An algorithm developed to predict the effect of missense changes on protein structure and function (PolyPhen-2) suggests that this variant is likely to be tolerated. In summary, the available evidence is currently insufficient to determine the role of this variant in disease. Therefore, it has been classified as a Variant of Uncertain Significance.